The following is an entry in ClinVar:

ClinVar aggregate classification (germline): Uncertain significance (1 of 4 stars; one submission).

Submission:

Labcorp Genetics (formerly Invitae), Labcorp
Classification: Uncertain significance. Last evaluated: 2024-02-20. Review status: criteria provided, single submitter. Criteria: Invitae Variant Classification Sherloc (09022015). Collection method: clinical testing. Allele origin: germline.
Comment: This sequence change replaces methionine, which is neutral and non-polar, with valine, which is neutral and non-polar, at codon 29 of the TERF2IP protein (p.Met29Val). This variant is present in population databases (rs201151665, gnomAD 0.006%). This variant has not been reported in the literature in individuals affected with TERF2IP-related conditions. Algorithms developed to predict the effect of missense changes on protein structure and function output the following: SIFT: "Not Available"; PolyPhen-2: "Benign"; Align-GVGD: "Not Available". The valine amino acid residue is found in multiple mammalian species, which suggests that this missense change does not adversely affect protein function. In summary, the available evidence is currently insufficient to determine the role of this variant in disease. Therefore, it has been classified as a Variant of Uncertain Significance.

NM_018975.4(TERF2IP):c.85A>G (p.Met29Val)

Gene: TERF2IP (TERF2 interacting protein; plus strand). Cytogenetic location: 16q23.1.
Variant type: single nucleotide variant.
Coding change: c.85A>G on transcript NM_018975.4 (MANE Select); coding-DNA position 85, A replaced by G.
Protein change: p.Met29Val; replaces methionine 29 with valine.
Molecular consequence: missense variant. On other transcripts: non-coding transcript variant (1).
Genome position (GRCh38, 1-based): chr16:75,647,967, A>G. VCF-style: chr16-75647967-A-G. GRCh37 (hg19) VCF-style: chr16-75681865-A-G.
Other names: short protein forms M29V.
Identifiers: ClinVar variation 3680002 (VCV003680002.2).